The following is an entry in ClinVar:

ClinVar aggregate classification (germline): Uncertain significance (1 of 4 stars; one submission).

gnomAD v4.1: 15 of 1,593,542 alleles (0.00094%); highest among the groups gnomAD compares: African/African-American, 0.02%; no homozygotes.

Submission:

Women's Health and Genetics/Laboratory Corporation of America, LabCorp
Classification: Uncertain significance. Last evaluated: 2023-06-13. Review status: criteria provided, single submitter. Criteria: LabCorp Variant Classification Summary - May 2015. Collection method: clinical testing. Allele origin: germline.
Comment: Variant summary: MEGF8 c.6813C>G (p.Asn2271Lys) results in a non-conservative amino acid change in the encoded protein sequence. Three of five in-silico tools predict a benign effect of the variant on protein function. The variant was absent in 220380 control chromosomes in GnomAD. The available data on variant occurrences in the general population are insufficient to allow any conclusion about variant significance. To our knowledge, no occurrence of c.6813C>G in individuals affected with Carpenter Syndrome - Type 2 and no experimental evidence demonstrating its impact on protein function have been reported. No clinical diagnostic laboratories have submitted clinical-significance assessments for this variant to ClinVar after 2014. Based on the evidence outlined above, the variant was classified as uncertain significance.

NM_001271938.2(MEGF8):c.7014C>G (p.Asn2338Lys)

Gene: MEGF8 (multiple EGF like domains 8; plus strand). Cytogenetic location: 19q13.2.
Variant type: single nucleotide variant.
Coding change: c.7014C>G on transcript NM_001271938.2 (MANE Select); coding-DNA position 7014, C replaced by G.
Protein change: p.Asn2338Lys; replaces asparagine 2338 with lysine.
Molecular consequence: missense variant.
Genome position (GRCh38, 1-based): chr19:42,370,709, C>G. VCF-style: chr19-42370709-C-G. GRCh37 (hg19) VCF-style: chr19-42874861-C-G.
Other names: c.6813C>G, p.Asn2271Lys (NM_001410.3); short protein forms N2271K, N2338K.
Identifiers: ClinVar variation 2573472 (VCV002573472.1), dbSNP rs537788689, ClinGen allele CA308652455.